The following is an entry in ClinVar:

ClinVar aggregate classification (germline): Pathogenic/Likely pathogenic. Review status: criteria provided, multiple submitters, no conflicts (2 of 4 stars). 7 submissions from 7 submitters: Pathogenic (4); Likely pathogenic (1). 2 of the submissions do not count toward it. Last evaluated 2026-01-27.

Conditions:
Brachydactyly. Also called: Brachydactyly (disease); Brachydactyly syndrome. Identifiers: MedGen C0221357, MONDO:0021004, HP:0001156.
Syndactyly. Also called: Webbed fingers or toes. Identifiers: MedGen C0039075, MONDO:0021002, HP:0001159.
Retinal degeneration. Identifiers: MedGen C0035304, MeSH D012162, MONDO:0004580, HP:0000546.
Polydactyly, postaxial, type A1. Identifiers: MedGen C4282400, MONDO:0008266, OMIM 174200.
TULP1-related disorder. Also called: TULP1-related disorders; TULP1-related condition.
Retinal dystrophy. Also called: Inherited retinal dystrophy. Identifiers: Orphanet 71862, MedGen C0854723, MeSH D058499, MONDO:0019118, HP:0000556.
Leber congenital amaurosis (LCA). Also called: Leber's amaurosis. Identifiers: Orphanet 65, MedGen C0339527, MeSH D057130, MONDO:0018998.
Leber congenital amaurosis 15 (LCA15). Identifiers: Orphanet 65, MedGen C3151206, MONDO:0013457, OMIM 613843.

Allele frequency attached by ClinVar (database versions not stated): gnomAD exomes below 0.00001; TOPMed below 0.00001.

Submissions (7):

Labcorp Genetics (formerly Invitae), Labcorp
Classification: Pathogenic. Last evaluated: 2026-01-27. Review status: criteria provided, single submitter. Criteria: Invitae Variant Classification Sherloc (09022015). Collection method: clinical testing. Allele origin: germline.
Comment: This sequence change replaces arginine, which is basic and polar, with tryptophan, which is neutral and slightly polar, at codon 400 of the TULP1 protein (p.Arg400Trp). This variant is not present in population databases (gnomAD no frequency). This missense change has been observed in individuals with Leber congenital amaurosis, retinitis pigmentosa and/or retinal degeneration (PMID: 15024725, 24265693, 31549751). ClinVar contains an entry for this variant (Variation ID: 30261). Invitae Evidence Modeling of protein sequence and biophysical properties (such as structural, functional, and spatial information, amino acid conservation, physicochemical variation, residue mobility, and thermodynamic stability) indicates that this missense variant is expected to disrupt TULP1 protein function with a positive predictive value of 95%. Algorithms developed to predict the effect of sequence changes on RNA splicing suggest that this variant may disrupt the consensus splice site. This variant disrupts the p.Arg400 amino acid residue in TULP1. Other variant(s) that disrupt this residue have been determined to be pathogenic (PMID: 19339744, 23847139; internal data). This suggests that this residue is clinically significant, and that variants that disrupt this residue are likely to be disease-causing. For these reasons, this variant has been classified as Pathogenic.

Women's Health and Genetics/Laboratory Corporation of America, LabCorp
Classification: Pathogenic for Leber congenital amaurosis. Last evaluated: 2025-06-27. Review status: criteria provided, single submitter. Criteria: LabCorp Variant Classification Summary - May 2015. Collection method: clinical testing. Allele origin: germline.
Comment: Variant summary: TULP1 c.1198C>T (p.Arg400Trp) results in a non-conservative amino acid change in the encoded protein sequence. Algorithms developed to predict the effect of missense changes on protein structure and function all suggest that this variant is likely to be disruptive. The variant was absent in 249630 control chromosomes. c.1198C>T has been observed in multiple individuals affected with Leber Congenital Amaurosis or Retinitis Pigmentosa (e.g.Hanein_2004, Eisenberger_2013, Xu_2016, Estrada-Cuzcano_2020). These data indicate that the variant is very likely to be associated with disease. Additionally, a different variant affecting the same codon has been classified as pathogenic by our lab (c.1199G>A, p.Arg400Gln), supporting the critical relevance of codon 400 to TULP1 protein function. The following publications have been ascertained in the context of this evaluation (PMID: 24265693, 31549751, 15024725, 27375279). ClinVar contains an entry for this variant (Variation ID: 30261). Based on the evidence outlined above, the variant was classified as pathogenic.

Laboratory of Medical Genetics (UMR_S 1112), INSERM/Strasbourg University
Classification: Pathogenic for Postaxial polydactyly; Brachydactyly; Syndactyly; Retinal degeneration. Last evaluated: 2019-02-01. Review status: criteria provided, single submitter. Criteria: Submitter's publication. Collection method: research. Allele origin: germline. Inheritance: Autosomal recessive inheritance. Affected: yes. Observed: 1 variant allele, 1 homozygote.

Blueprint Genetics
Classification: Pathogenic for TULP1-related disorders. Last evaluated: 2018-06-06. Review status: criteria provided, single submitter. Criteria: ACMG Guidelines, 2015. Collection method: clinical testing. Allele origin: germline. Affected: yes. Observed: 1 variant allele.

Institute of Human Genetics, Univ. Regensburg, Univ. Regensburg
Classification: Likely pathogenic for Retinal dystrophy. Last evaluated: 2017-01-01. Review status: criteria provided, single submitter. Criteria: ACMG Guidelines, 2015. Collection method: clinical testing. Allele origin: germline. Affected: yes.

OMIM
Classification: Pathogenic for LEBER CONGENITAL AMAUROSIS 15. Last evaluated: 2004-04-01. Review status: no assertion criteria provided. Collection method: literature only. Allele origin: germline. Not counted in ClinVar's aggregate classification.

Laboratory of Genetics in Ophthalmology, Institut Imagine
Classification: Pathogenic for Leber congenital amaurosis 15. Review status: no assertion criteria provided. Collection method: research. Allele origin: inherited. Affected: yes. Observed: 1 variant allele. Not counted in ClinVar's aggregate classification.

Literature cited by the submitters: PubMed 15024725 (cited by 5 submitters); PubMed 24265693 (cited by 3 submitters); PubMed 31549751 (cited by 3 submitters); PubMed 19339744 (cited by Labcorp Genetics (formerly Invitae), Labcorp); PubMed 23847139 (cited by Labcorp Genetics (formerly Invitae), Labcorp); PubMed 27375279 (cited by Women's Health and Genetics/Laboratory Corporation of America, LabCorp).

NM_003322.6(TULP1):c.1198C>T (p.Arg400Trp)

Gene: TULP1 (TUB like protein 1; minus strand). Cytogenetic location: 6p21.31.
Variant type: single nucleotide variant.
Coding change: c.1198C>T on transcript NM_003322.6 (MANE Select); coding-DNA position 1198, C replaced by T.
Protein change: p.Arg400Trp; replaces arginine 400 with tryptophan.
Molecular consequence: missense variant.
Genome position (GRCh38, 1-based): chr6:35,503,763, G>A on the plus strand (C>T on the coding strand, the complement: TULP1 is on the minus strand). VCF-style: chr6-35503763-G-A. GRCh37 (hg19) VCF-style: chr6-35471540-G-A.
Other names: c.1039C>T, p.Arg347Trp (NM_001289395.2); short protein forms R400W, R347W.
Identifiers: ClinVar variation 30261 (VCV000030261.15), dbSNP rs387906836, ClinGen allele CA259774.